The following is an entry in ClinVar:

NC_000019.9:g.(?_12996012)_(13004373_?)del

Genes: GCDH (glutaryl-CoA dehydrogenase; plus strand), KLF1 (KLF transcription factor 1; minus strand). Cytogenetic location: 19p13.2.
Variant type: Deletion.
Identifiers: ClinVar variation 1460079 (VCV001460079.5).

ClinVar aggregate classification (germline): Pathogenic (1 of 4 stars; one submission).

Conditions:
Glutaric aciduria, type 1. Also called: Glutaryl-CoA dehydrogenase deficiency; Glutaric acidemia type I; Glutaricacidemia Type 1; Glutaric Acidemia Type 1; GA I; Glutaricaciduria, type I. Identifiers: Orphanet 25, MedGen C0268595, MONDO:0009281, OMIM 231670.

Submission:

Labcorp Genetics (formerly Invitae), Labcorp
Classification: Pathogenic for Glutaric aciduria, type 1. Last evaluated: 2021-08-22. Review status: criteria provided, single submitter. Criteria: Invitae Variant Classification Sherloc (09022015). Collection method: clinical testing. Allele origin: germline.
Comment: This variant results in the deletion of exons 1-5 and part of exon 6 (c.-6036_414del) of the GCDH gene. It is expected to result in an absent or disrupted protein product. Loss-of-function variants in GCDH are known to be pathogenic (PMID: 10699052, 11854167, 16602100). This variant has not been reported in the literature in individuals affected with GCDH-related conditions. For these reasons, this variant has been classified as Pathogenic.

Literature cited by the submitters: PubMed 10699052; PubMed 11854167; PubMed 16602100.